The following is an entry in ClinVar:

ClinVar aggregate classification (germline): Pathogenic/Likely pathogenic. Review status: criteria provided, multiple submitters, no conflicts (2 of 4 stars). 3 submissions from 3 submitters: Pathogenic (1); Likely pathogenic (2). Last evaluated 2024-08-23.

Conditions:
Biotinidase deficiency. Also called: BTD deficiency; Late-onset biotin-responsive multiple carboxylase deficiency; Biotin deficiency. Identifiers: Orphanet 79241, MedGen C0220754, MONDO:0009665, OMIM 253260.

Allele frequency attached by ClinVar (database versions not stated): gnomAD exomes below 0.00001 and 0.00001; TOPMed below 0.00001; ExAC 0.00001; gnomAD 0.00001.
gnomAD v4.1: 3 of 1,607,142 alleles (0.00019%); highest among the groups gnomAD compares: South Asian, 0.0011%; no homozygotes.

Submissions (3):

ARUP Laboratories, Molecular Genetics and Genomics, ARUP Laboratories
Classification: Likely pathogenic for Biotinidase deficiency. Last evaluated: 2024-08-23. Review status: criteria provided, single submitter. Criteria: ARUP Molecular Germline Variant Investigation Process 2024. Collection method: clinical testing. Allele origin: germline.
Comment: The BTD c.1559A>G; p.Tyr520Cys variant (rs397514431, ClinVar Variation ID: 25101), also known as c.1619A>G; p.Tyr540Cys for NM_000060.2, is reported in the literature in an individual with biotinidase deficiency who was compound heterozygous with a second BTD variant (Norrgard 1999). This variant is only found on 3 alleles in the Genome Aggregation Database (v2.1.1), indicating it is not a common polymorphism. Computational analyses predict that this variant is deleterious (REVEL: 0.96). Based on available information, this variant is considered to be likely pathogenic. References: Norrgard KJ et al. Mutations causing profound biotinidase deficiency in children ascertained by newborn screening in the United States occur at different frequencies than in symptomatic children. Pediatr Res. 1999 Jul;46(1):20-7. PMID: 10400129.

Revvity Omics, Revvity
Classification: Likely pathogenic for Biotinidase deficiency. Last evaluated: 2024-07-24. Review status: criteria provided, single submitter. Criteria: ACMG Guidelines, 2015. Collection method: clinical testing. Allele origin: germline.

Labcorp Genetics (formerly Invitae), Labcorp
Classification: Pathogenic for Biotinidase deficiency. Last evaluated: 2023-08-04. Review status: criteria provided, single submitter. Criteria: Invitae Variant Classification Sherloc (09022015). Collection method: clinical testing. Allele origin: germline.
Comment: This sequence change replaces tyrosine, which is neutral and polar, with cysteine, which is neutral and slightly polar, at codon 540 of the BTD protein (p.Tyr540Cys). This variant is present in population databases (rs397514431, gnomAD 0.003%). This missense change has been observed in individual(s) with clinical features of biotinidase deficiency (PMID: 10400129; Invitae). In at least one individual the data is consistent with being in trans (on the opposite chromosome) from a pathogenic variant. ClinVar contains an entry for this variant (Variation ID: 25101). Advanced modeling of protein sequence and biophysical properties (such as structural, functional, and spatial information, amino acid conservation, physicochemical variation, residue mobility, and thermodynamic stability) performed at Invitae indicates that this missense variant is expected to disrupt BTD protein function. For these reasons, this variant has been classified as Pathogenic.

Literature cited by the submitters: PubMed 10400129 (cited by Labcorp Genetics (formerly Invitae), Labcorp).

NM_001370658.1(BTD):c.1559A>G (p.Tyr520Cys)

Gene: BTD (biotinidase; plus strand). Cytogenetic location: 3p25.1.
Variant type: single nucleotide variant.
Coding change: c.1559A>G on transcript NM_001370658.1 (MANE Select); coding-DNA position 1559, A replaced by G.
Protein change: p.Tyr520Cys; replaces tyrosine 520 with cysteine.
Molecular consequence: missense variant. On other transcripts: intron variant (2).
Genome position (GRCh38, 1-based): chr3:15,645,475, A>G. VCF-style: chr3-15645475-A-G. GRCh37 (hg19) VCF-style: chr3-15686982-A-G.
Other names: c.1619A>G, p.Tyr540Cys (NM_000060.4); c.1559A>G, p.Tyr520Cys (NM_001281723.4, NM_001281724.3, NM_001281725.3 and 16 more transcripts); c.1015+544A>G (NM_001370752.1); c.399+3418A>G (NM_001370753.1); short protein forms Y520C.
Identifiers: ClinVar variation 25101 (VCV000025101.11), dbSNP rs397514431, ClinGen allele CA278359.